The following is an entry in ClinVar:

NM_019032.6(ADAMTSL4):c.458A>G (p.Lys153Arg)

Genes: ADAMTSL4-AS2 (ADAMTSL4 antisense RNA 2; minus strand), ADAMTSL4 (ADAMTS like 4; plus strand). Cytogenetic location: 1q21.2.
Variant type: single nucleotide variant.
Coding change: c.458A>G on transcript NM_019032.6 (MANE Select); coding-DNA position 458, A replaced by G.
Protein change: p.Lys153Arg; replaces lysine 153 with arginine.
Molecular consequence: missense variant.
Genome position (GRCh38, 1-based): chr1:150,553,449, A>G. VCF-style: chr1-150553449-A-G. GRCh37 (hg19) VCF-style: chr1-150525925-A-G.
Other names: c.458A>G, p.Lys153Arg (NM_001288607.2, NM_001288608.2, NM_001378596.1 and 1 more transcripts); short protein forms K153R.
Identifiers: ClinVar variation 1379646 (VCV001379646.6), dbSNP rs2101575776, ClinGen allele CA342300879.

ClinVar aggregate classification (germline): Uncertain significance (1 of 4 stars; one submission).

Allele frequency attached by ClinVar (database versions not stated): gnomAD exomes below 0.00001.

Submission:

Labcorp Genetics (formerly Invitae), Labcorp
Classification: Uncertain significance. Last evaluated: 2021-09-15. Review status: criteria provided, single submitter. Criteria: Invitae Variant Classification Sherloc (09022015). Collection method: clinical testing. Allele origin: germline.
Comment: This variant has not been reported in the literature in individuals affected with ADAMTSL4-related conditions. In summary, the available evidence is currently insufficient to determine the role of this variant in disease. Therefore, it has been classified as a Variant of Uncertain Significance. Algorithms developed to predict the effect of missense changes on protein structure and function are either unavailable or do not agree on the potential impact of this missense change (SIFT: "Deleterious"; PolyPhen-2: "Benign"; Align-GVGD: "Class C0"). This variant is not present in population databases (ExAC no frequency). This sequence change replaces lysine with arginine at codon 153 of the ADAMTSL4 protein (p.Lys153Arg). The lysine residue is moderately conserved and there is a small physicochemical difference between lysine and arginine.